The following is an entry in ClinVar:

ClinVar aggregate classification (germline): Uncertain significance (1 of 4 stars; one submission).

Conditions:
Arrhythmogenic right ventricular dysplasia 11. Also called: ARRHYTHMOGENIC RIGHT VENTRICULAR DYSPLASIA, FAMILIAL, 11; Arrhythmogenic Right Ventricular Dysplasia/Cardiomyopathy11; Arrhythmogenic right ventricular dysplasia 11 with mild palmoplantar keratoderma and woolly hair. Identifiers: MedGen C1864850, MONDO:0012506, OMIM 610476.

Submission:

Labcorp Genetics (formerly Invitae), Labcorp
Classification: Uncertain significance for Arrhythmogenic right ventricular dysplasia 11. Last evaluated: 2024-07-30. Review status: criteria provided, single submitter. Criteria: Invitae Variant Classification Sherloc (09022015). Collection method: clinical testing. Allele origin: germline.
Comment: This sequence change replaces valine, which is neutral and non-polar, with isoleucine, which is neutral and non-polar, at codon 129 of the DSC2 protein (p.Val129Ile). This variant is not present in population databases (gnomAD no frequency). This variant has not been reported in the literature in individuals affected with DSC2-related conditions. Advanced modeling of protein sequence and biophysical properties (such as structural, functional, and spatial information, amino acid conservation, physicochemical variation, residue mobility, and thermodynamic stability) performed at Invitae indicates that this missense variant is not expected to disrupt DSC2 protein function with a negative predictive value of 80%. In summary, the available evidence is currently insufficient to determine the role of this variant in disease. Therefore, it has been classified as a Variant of Uncertain Significance.

NM_024422.6(DSC2):c.385G>A (p.Val129Ile)

Gene: DSC2 (desmocollin 2; minus strand). Cytogenetic location: 18q12.1.
Variant type: single nucleotide variant.
Coding change: c.385G>A on transcript NM_024422.6 (MANE Select); coding-DNA position 385, G replaced by A.
Protein change: p.Val129Ile; replaces valine 129 with isoleucine.
Molecular consequence: missense variant. On other transcripts: 5 prime UTR variant (2).
Genome position (GRCh38, 1-based): chr18:31,091,117, C>T on the plus strand (G>A on the coding strand, the complement: DSC2 is on the minus strand). VCF-style: chr18-31091117-C-T. GRCh37 (hg19) VCF-style: chr18-28671080-C-T.
Other names: c.-45G>A (NM_001406506.1, NM_001406507.1); c.385G>A, p.Val129Ile (NM_004949.5); short protein forms V129I.
Identifiers: ClinVar variation 3702862 (VCV003702862.2).